The following is an entry in ClinVar:

ClinVar aggregate classification (germline): Uncertain significance (1 of 4 stars; one submission).

Conditions:
SMARCA2-related disorder. Also called: SMARCA2-related condition.

Submission:

3billion
Classification: Uncertain significance for SMARCA2-related disorder. Last evaluated: 2025-09-30. Review status: criteria provided, single submitter. Criteria: ACMG Guidelines, 2015. Collection method: clinical testing. Allele origin: germline. Affected: yes.
Comment: The variant is not observed in the gnomAD v4.1.0 dataset. Predicted Consequence/Location: Missense variant. Missense changes are a common disease-causing mechanism. The variant has been reported as of uncertain significance (ClinVar ID: VCV003166272). Therefore, this variant is classified as VUS according to the recommendation of ACMG/AMP guideline.

NM_003070.5(SMARCA2):c.1689G>T (p.Lys563Asn)

Gene: SMARCA2 (SWI/SNF related BAF chromatin remodeling complex subunit ATPase 2; plus strand). Cytogenetic location: 9p24.3.
Variant type: single nucleotide variant.
Coding change: c.1689G>T on transcript NM_003070.5 (MANE Select); coding-DNA position 1689, G replaced by T.
Protein change: p.Lys563Asn; replaces lysine 563 with asparagine.
Molecular consequence: missense variant.
Genome position (GRCh38, 1-based): chr9:2,060,983, G>T. VCF-style: chr9-2060983-G-T. GRCh37 (hg19) VCF-style: chr9-2060983-G-T.
Other names: c.1689G>T, p.Lys563Asn (NM_001289396.2, NM_001289397.2, NM_139045.4); short protein forms K563N.
Identifiers: ClinVar variation 4854554 (VCV004854554.1).